The following is an entry in ClinVar:

NM_182961.4(SYNE1):c.18053A>G (p.Asn6018Ser)

Gene: SYNE1 (spectrin repeat containing nuclear envelope protein 1; minus strand). Cytogenetic location: 6q25.2.
Variant type: single nucleotide variant.
Coding change: c.18053A>G on transcript NM_182961.4 (MANE Select); coding-DNA position 18053, A replaced by G.
Protein change: p.Asn6018Ser; replaces asparagine 6018 with serine.
Molecular consequence: missense variant.
Genome position (GRCh38, 1-based): chr6:152,284,132, T>C on the plus strand (A>G on the coding strand, the complement: SYNE1 is on the minus strand). VCF-style: chr6-152284132-T-C. GRCh37 (hg19) VCF-style: chr6-152605267-T-C.
Other names: c.18053A>G (NM_182961.2); c.17840A>G, p.Asn5947Ser (NM_033071.5); short protein forms N6018S, N5947S.
Identifiers: ClinVar variation 355851 (VCV000355851.6), dbSNP rs774683772, ClinGen allele CA4055063.

ClinVar aggregate classification (germline): Conflicting classifications of pathogenicity. Review status: criteria provided, conflicting classifications (1 of 4 stars). 3 submissions from 2 submitters: Uncertain significance (2); Likely benign (1). Last evaluated 2023-03-31.

Conditions:
Autosomal recessive ataxia, Beauce type. Also called: SYNE1 Deficiency; SYNE1-Related Autosomal Recessive Cerebellar Ataxia; Spinocerebellar ataxia, autosomal recessive 8; ATAXIA, RECESSIVE, OF BEAUCE. Identifiers: Orphanet 88644, MedGen C1853116, MONDO:0012549, OMIM 610743.
Emery-Dreifuss muscular dystrophy 4, autosomal dominant (EDMD4). Also called: EMERY-DREIFUSS MUSCULAR DYSTROPHY 4 WITH VARIABLE FEATURES. Identifiers: Orphanet 261, MedGen C2751807, MONDO:0013071, OMIM 612998.

Allele frequency attached by ClinVar (database versions not stated): TOPMed below 0.00001; gnomAD exomes 0.00001; ExAC 0.00002.
gnomAD v4.1: 16 of 1,614,206 alleles (0.00099%); highest among the groups gnomAD compares: African/African-American, 0.0013%; no homozygotes.

Submissions (3):

Athena Diagnostics
Classification: Uncertain significance. Last evaluated: 2023-03-31. Review status: criteria provided, single submitter. Criteria: Athena Diagnostics Criteria. Collection method: clinical testing. Allele origin: unknown.
Comment: Available data are insufficient to determine the clinical significance of the variant at this time. The frequency of this variant in the general population is uninformative in assessment of its pathogenicity. Computational tools predict that this variant is not damaging.

Illumina Laboratory Services, Illumina
Classification: Uncertain significance for Autosomal recessive ataxia, Beauce type. Last evaluated: 2018-01-12. Review status: criteria provided, single submitter. Criteria: ICSL Variant Classification Criteria 13 December 2019. Collection method: clinical testing. Allele origin: germline.

Illumina Laboratory Services, Illumina
Classification: Likely benign for Emery-Dreifuss muscular dystrophy 4, autosomal dominant. Last evaluated: 2018-01-12. Review status: criteria provided, single submitter. Criteria: ICSL Variant Classification Criteria 13 December 2019. Collection method: clinical testing. Allele origin: germline.
Comment: This variant was observed in the ICSL laboratory as part of a predisposition screen in an ostensibly healthy population. It had not been previously curated by ICSL or reported in the Human Gene Mutation Database (HGMD: prior to June 1st, 2018), and was therefore a candidate for classification through an automated scoring system. Utilizing variant allele frequency, disease prevalence and penetrance estimates, and inheritance mode, an automated score was calculated to assess if this variant is too frequent to cause the disease. Based on the score and internal cut-off values, a variant classified as likely benign is not then subjected to further curation. The score for this variant resulted in a classification of likely benign for this disease.